The following is an entry in ClinVar:

ClinVar aggregate classification (germline): Uncertain significance (1 of 4 stars; one submission).

Conditions:
Sulfite oxidase deficiency due to molybdenum cofactor deficiency type C. Also called: Molybdenum cofactor deficiency C; Molybdenum cofactor deficiency, complementation group C. Identifiers: Orphanet 308400, Orphanet 833, MedGen C1854990, MONDO:0014212, OMIM 615501.

Allele frequency attached by ClinVar (database versions not stated): ExAC 0.00001; TOPMed 0.00002; gnomAD 0.00003; 1000 Genomes Project 30x 0.00016; 1000 Genomes Project 0.00020.
gnomAD v4.1: 9 of 1,613,628 alleles (0.00056%); highest among the groups gnomAD compares: Admixed American, 0.0083%; no homozygotes.

Submission:

Labcorp Genetics (formerly Invitae), Labcorp
Classification: Uncertain significance for Sulfite oxidase deficiency due to molybdenum cofactor deficiency type C. Last evaluated: 2022-11-15. Review status: criteria provided, single submitter. Criteria: Invitae Variant Classification Sherloc (09022015). Collection method: clinical testing. Allele origin: germline.
Comment: In summary, the available evidence is currently insufficient to determine the role of this variant in disease. Therefore, it has been classified as a Variant of Uncertain Significance. Advanced modeling of protein sequence and biophysical properties (such as structural, functional, and spatial information, amino acid conservation, physicochemical variation, residue mobility, and thermodynamic stability) performed at Invitae indicates that this missense variant is not expected to disrupt GPHN protein function. This variant has not been reported in the literature in individuals affected with GPHN-related conditions. This variant is present in population databases (rs568241284, gnomAD 0.007%). This sequence change replaces proline, which is neutral and non-polar, with serine, which is neutral and polar, at codon 201 of the GPHN protein (p.Pro201Ser).

NM_020806.5(GPHN):c.601C>T (p.Pro201Ser)

Gene: GPHN (gephyrin; plus strand). Cytogenetic location: 14q23.3.
Variant type: single nucleotide variant.
Coding change: c.601C>T on transcript NM_020806.5 (MANE Select); coding-DNA position 601, C replaced by T.
Protein change: p.Pro201Ser; replaces proline 201 with serine.
Molecular consequence: missense variant.
Genome position (GRCh38, 1-based): chr14:66,922,810, C>T. VCF-style: chr14-66922810-C-T. GRCh37 (hg19) VCF-style: chr14-67389527-C-T.
Other names: c.601C>T, p.Pro201Ser (NM_001024218.2, NM_001377515.1, NM_001377516.1 and 2 more transcripts); c.640C>T, p.Pro214Ser (NM_001377514.1, NM_001377519.1); short protein forms P214S, P201S.
Identifiers: ClinVar variation 2200821 (VCV002200821.4), dbSNP rs568241284, ClinGen allele CA7233789.
Genomic context (GRCh38, chr14:66,922,810, plus strand): 5'-GATGAACTTGAAGATTTGCCTTCCCCACCTCCCCCTCTTTCCCCTCCTCCTACTACCAGC[C>T]CCCATAAACAGACAGAAGACAAAGGAGTTCAATGTGAGGAAGAGGAAGAAGAGAAGAAAG-3'
Protein context (NP_065857.1, residues 191-211): PPLSPPPTTS[Pro201Ser]HKQTEDKGVQ